The following is an entry in ClinVar:

ClinVar aggregate classification (germline): Likely benign. Review status: criteria provided, multiple submitters, no conflicts (2 of 4 stars). 2 submissions from 2 submitters: Likely benign (2). Last evaluated 2024-11-18.

Conditions:
SEMA3E-related disorder. Also called: SEMA3E-related condition.
CHARGE syndrome (CHARGE). Also called: Coloboma, heart anomaly, choanal atresia, retardation, genital and ear anomalies; CHARGE association; Hall-Hittner syndrome; Hittner Hirsch Kreh syndrome; CHARGE ASSOCIATION--COLOBOMA, HEART ANOMALY, CHOANAL ATRESIA, RETARDATION, GENITAL AND EAR ANOMALIES. Identifiers: Orphanet 138, MedGen C0265354, MONDO:0008965.

Allele frequency attached by ClinVar (database versions not stated): gnomAD exomes below 0.00001 and 0.00001; gnomAD 0.00002; TOPMed 0.00002.
gnomAD v4.1: 10 of 1,595,872 alleles (0.00063%); highest among the groups gnomAD compares: African/African-American, 0.013%; no homozygotes.

Submissions (2):

PreventionGenetics, part of Exact Sciences
Classification: Likely benign for SEMA3E-related condition. Last evaluated: 2024-11-18. Review status: criteria provided, single submitter. Criteria: ACMG Guidelines, 2015. Collection method: clinical testing. Allele origin: germline.
Comment: This variant is classified as likely benign based on ACMG/AMP sequence variant interpretation guidelines (Richards et al. 2015 PMID: 25741868, with internal and published modifications).

Labcorp Genetics (formerly Invitae), Labcorp
Classification: Likely benign for CHARGE syndrome. Last evaluated: 2024-05-01. Review status: criteria provided, single submitter. Criteria: Invitae Variant Classification Sherloc (09022015). Collection method: clinical testing. Allele origin: germline.

NM_012431.3(SEMA3E):c.1383G>T (p.Leu461=)

Gene: SEMA3E (semaphorin 3E; minus strand). Cytogenetic location: 7q21.11.
Variant type: single nucleotide variant.
Coding change: c.1383G>T on transcript NM_012431.3 (MANE Select); coding-DNA position 1383, G replaced by T.
Protein change: p.Leu461=; no amino-acid change (leucine 461 retained).
Molecular consequence: synonymous variant.
Genome position (GRCh38, 1-based): chr7:83,396,713, C>A on the plus strand (G>T on the coding strand, the complement: SEMA3E is on the minus strand). VCF-style: chr7-83396713-C-A. GRCh37 (hg19) VCF-style: chr7-83026029-C-A.
Other names: c.1203G>T, p.Leu401= (NM_001178129.2); c.1383G>T (NM_012431.2).
Identifiers: ClinVar variation 1593989 (VCV001593989.9), dbSNP rs139043841, ClinGen allele CA161164962.